The following is an entry in ClinVar:

ClinVar aggregate classification (germline): Uncertain significance. Review status: criteria provided, multiple submitters, no conflicts (2 of 4 stars). 2 submissions from 2 submitters: Uncertain significance (2). Last evaluated 2026-02-06.

Conditions:
Distal myopathy with posterior leg and anterior hand involvement. Also called: WILLIAMS DISTAL MYOPATHY. Identifiers: Orphanet 63273, MedGen C3279722, MONDO:0013550, OMIM 614065.
Myofibrillar myopathy 5. Also called: Filaminopathy (type); FILAMINOPATHY, AUTOSOMAL DOMINANT. Identifiers: Orphanet 171445, MedGen C1836050, MONDO:0012289, OMIM 609524.
Hypertrophic cardiomyopathy 26. Also called: Cardiomyopathy, familial hypertrophic, 26. Identifiers: Orphanet 75249, MedGen C4310749, MONDO:0014883, OMIM 617047.
Cardiovascular phenotype. Identifiers: MedGen CN230736.

Submissions (2):

Ambry Genetics
Classification: Uncertain significance for Cardiovascular phenotype. Last evaluated: 2026-02-06. Review status: criteria provided, single submitter. Criteria: Ambry Variant Classification Scheme 2023. Collection method: clinical testing. Allele origin: germline.
Comment: The c.7292T>G (p.V2431G) alteration is located in exon 44 (coding exon 44) of the FLNC gene. This alteration results from a T to G substitution at nucleotide position 7292, causing the valine (V) at amino acid position 2431 to be replaced by a glycine (G). This variant was not reported in population-based cohorts in the Genome Aggregation Database (gnomAD). This amino acid position is highly conserved in available vertebrate species. This alteration is predicted to be deleterious by in silico analysis. Based on insufficient or conflicting evidence, the clinical significance of this alteration remains unclear.

Labcorp Genetics (formerly Invitae), Labcorp
Classification: Uncertain significance for Distal myopathy with posterior leg and anterior hand involvement; Myofibrillar myopathy 5; Hypertrophic cardiomyopathy 26. Last evaluated: 2024-06-02. Review status: criteria provided, single submitter. Criteria: Invitae Variant Classification Sherloc (09022015). Collection method: clinical testing. Allele origin: germline.
Comment: This sequence change replaces valine, which is neutral and non-polar, with glycine, which is neutral and non-polar, at codon 2431 of the FLNC protein (p.Val2431Gly). This variant is not present in population databases (gnomAD no frequency). This variant has not been reported in the literature in individuals affected with FLNC-related conditions. Advanced modeling of protein sequence and biophysical properties (such as structural, functional, and spatial information, amino acid conservation, physicochemical variation, residue mobility, and thermodynamic stability) has been performed at Invitae for this missense variant, however the output from this modeling did not meet the statistical confidence thresholds required to predict the impact of this variant on FLNC protein function. In summary, the available evidence is currently insufficient to determine the role of this variant in disease. Therefore, it has been classified as a Variant of Uncertain Significance.

NM_001458.5(FLNC):c.7292T>G (p.Val2431Gly)

Genes: FLNC (filamin C; plus strand), FLNC-AS1 (FLNC antisense RNA 1; minus strand). Cytogenetic location: 7q32.1.
Variant type: single nucleotide variant.
Coding change: c.7292T>G on transcript NM_001458.5 (MANE Select); coding-DNA position 7292, T replaced by G.
Protein change: p.Val2431Gly; replaces valine 2431 with glycine.
Molecular consequence: missense variant.
Genome position (GRCh38, 1-based): chr7:128,856,558, T>G. VCF-style: chr7-128856558-T-G. GRCh37 (hg19) VCF-style: chr7-128496612-T-G.
Other names: c.7193T>G, p.Val2398Gly (NM_001127487.2); short protein forms V2398G, V2431G.
Identifiers: ClinVar variation 3756564 (VCV003756564.3).
Genomic context (GRCh38, chr7:128,856,558, plus strand): 5'-ATCCTCCGTGGCCTTTGCAGGAGACGGGGCTCAAGGTGAACCAGCCAGCGTCCTTTGCCG[T>G]GCAGCTGAACGGTGCCCGGGGCGTGATTGATGCCCGGGTGCACACACCCTCGGGGGCTGT-3'
Protein context (NP_001449.3, residues 2421-2441): LKVNQPASFA[Val2431Gly]QLNGARGVID